The following is an entry in ClinVar:

NM_138383.3(MTSS2):c.1532T>A (p.Phe511Tyr)

Gene: MTSS2 (MTSS I-BAR domain containing 2; minus strand). Cytogenetic location: 16q22.1.
Variant type: single nucleotide variant.
Coding change: c.1532T>A on transcript NM_138383.3 (MANE Select); coding-DNA position 1532, T replaced by A.
Protein change: p.Phe511Tyr; replaces phenylalanine 511 with tyrosine.
Molecular consequence: missense variant.
Genome position (GRCh38, 1-based): chr16:70,664,389, A>T on the plus strand (T>A on the coding strand, the complement: MTSS2 is on the minus strand). VCF-style: chr16-70664389-A-T. GRCh37 (hg19) VCF-style: chr16-70698292-A-T.
Other names: short protein forms F511Y.
Identifiers: ClinVar variation 4687077 (VCV004687077.2).
Genomic context (GRCh38, chr16:70,664,389, plus strand): 5'-ATCAGGCGGCGGTAGTTCTGGGCGATGTTGCTGTTGCGCGGGATGGTGGATGACTTGTCA[A>T]ACTCGGGCGGGCCCTCGCTGTCCGCATCCCCATTCACGGAGTAGCAGTCGTAGTCGGAGC-3'
Protein context (NP_612392.1, residues 501-521): GDADSEGPPE[Phe511Tyr]DKSSTIPRNS

ClinVar aggregate classification (germline): Likely benign (1 of 4 stars; one submission).

Submission:

GeneDx
Classification: Likely benign. Last evaluated: 2026-05-05. Review status: criteria provided, single submitter. Criteria: GeneDx Variant Classification Process June 2021. Collection method: clinical testing. Allele origin: germline.
Comment: See Variant Classification Assertion Criteria.